The following is an entry in ClinVar:

ClinVar aggregate classification (germline): Uncertain significance. Review status: criteria provided, multiple submitters, no conflicts (2 of 4 stars). 3 submissions from 3 submitters: Uncertain significance (3). Last evaluated 2025-04-01.

Conditions:
Inborn genetic diseases. Identifiers: MedGen C0950123, MeSH D030342.

Allele frequency attached by ClinVar (database versions not stated): gnomAD 0.00001; gnomAD exomes 0.00001.
gnomAD v4.1: 12 of 1,608,314 alleles (0.00075%); highest among the groups gnomAD compares: African/African-American, 0.0013%; no homozygotes.

Submissions (3):

Ambry Genetics
Classification: Uncertain significance for Inborn genetic diseases. Last evaluated: 2025-04-01. Review status: criteria provided, single submitter. Criteria: Ambry Variant Classification Scheme 2023. Collection method: clinical testing. Allele origin: germline.

Labcorp Genetics (formerly Invitae), Labcorp
Classification: Uncertain significance. Last evaluated: 2024-05-19. Review status: criteria provided, single submitter. Criteria: Invitae Variant Classification Sherloc (09022015). Collection method: clinical testing. Allele origin: germline.
Comment: This sequence change replaces arginine, which is basic and polar, with histidine, which is basic and polar, at codon 1113 of the JAK1 protein (p.Arg1113His). This variant is present in population databases (no rsID available, gnomAD 0.006%). This variant has not been reported in the literature in individuals affected with JAK1-related conditions. ClinVar contains an entry for this variant (Variation ID: 1678022). Advanced modeling of protein sequence and biophysical properties (such as structural, functional, and spatial information, amino acid conservation, physicochemical variation, residue mobility, and thermodynamic stability) performed at Invitae indicates that this missense variant is expected to disrupt JAK1 protein function with a positive predictive value of 80%. In summary, the available evidence is currently insufficient to determine the role of this variant in disease. Therefore, it has been classified as a Variant of Uncertain Significance.

AiLife Diagnostics
Classification: Uncertain significance. Last evaluated: 2022-03-08. Review status: criteria provided, single submitter. Criteria: ACMG Guidelines, 2015. Collection method: clinical testing. Allele origin: germline. Affected: yes. Observed: 1 variant allele.

NM_002227.4(JAK1):c.3338G>A (p.Arg1113His)

Gene: JAK1 (Janus kinase 1; minus strand). Cytogenetic location: 1p31.3.
Variant type: single nucleotide variant.
Coding change: c.3338G>A on transcript NM_002227.4 (MANE Select); coding-DNA position 3338, G replaced by A.
Protein change: p.Arg1113His; replaces arginine 1113 with histidine.
Molecular consequence: missense variant.
Genome position (GRCh38, 1-based): chr1:64,835,427, C>T on the plus strand (G>A on the coding strand, the complement: JAK1 is on the minus strand). VCF-style: chr1-64835427-C-T. GRCh37 (hg19) VCF-style: chr1-65301110-C-T.
Other names: c.3338G>A, p.Arg1113His (NM_001320923.2, NM_001321852.2, NM_001321853.2 and 3 more transcripts); c.3335G>A, p.Arg1112His (NM_001321857.2); c.3338G>A (NM_002227.2); short protein forms R1112H, R1113H.
Identifiers: ClinVar variation 1678022 (VCV001678022.7), dbSNP rs774820863, ClinGen allele CA340660162.
Genomic context (GRCh38, chr1:64,835,427, plus strand): 5'-GTTATTACTGTGACGTGGCCCATAGATACCTCATCTGGACAGTTAGGTGGGCACGGCAGG[C>T]GTTTTCCTTCTTTTAACGTATTCACAAGTCTTGTGACTGTCATCTGGCCATGGGTTGGGC-3'
Protein context (NP_002218.2, residues 1103-1123): RLVNTLKEGK[Arg1113His]LPCPPNCPDE